The following is an entry in ClinVar:

NM_006947.4(SRP72):c.1712C>T (p.Thr571Ile)

Gene: SRP72 (signal recognition particle 72; plus strand). Cytogenetic location: 4q12.
Variant type: single nucleotide variant.
Coding change: c.1712C>T on transcript NM_006947.4 (MANE Select); coding-DNA position 1712, C replaced by T.
Protein change: p.Thr571Ile; replaces threonine 571 with isoleucine.
Molecular consequence: missense variant. On other transcripts: non-coding transcript variant (1).
Genome position (GRCh38, 1-based): chr4:56,500,569, C>T. VCF-style: chr4-56500569-C-T. GRCh37 (hg19) VCF-style: chr4-57366735-C-T.
Other names: c.1529C>T, p.Thr510Ile (NM_001267722.2); short protein forms T510I, T571I.
Identifiers: ClinVar variation 3801448 (VCV003801448.1).

ClinVar aggregate classification (germline): Uncertain significance (1 of 4 stars; one submission).

Submission:

Ambry Genetics
Classification: Uncertain significance. Last evaluated: 2025-01-17. Review status: criteria provided, single submitter. Criteria: Ambry Variant Classification Scheme 2023. Collection method: clinical testing. Allele origin: germline.
Comment: The p.T571I variant (also known as c.1712C>T), located in coding exon 18 of the SRP72 gene, results from a C to T substitution at nucleotide position 1712. The threonine at codon 571 is replaced by isoleucine, an amino acid with similar properties. This amino acid position is conserved. In addition, the in silico prediction for this alteration is inconclusive. Based on the available evidence, the clinical significance of this variant remains unclear.